The following is an entry in ClinVar:

NM_000136.3(FANCC):c.*587C>T

Genes: FANCC (FA complementation group C; minus strand), AOPEP (aminopeptidase O (putative); plus strand). Cytogenetic location: 9q22.32.
Variant type: single nucleotide variant.
Coding change: c.*587C>T on transcript NM_000136.3 (MANE Select); 587 bases downstream of the stop codon, C replaced by T.
Molecular consequence: 3 prime UTR variant.
Genome position (GRCh38, 1-based): chr9:95,101,120, G>A on the plus strand (C>T on the coding strand, the complement: FANCC is on the minus strand). VCF-style: chr9-95101120-G-A. GRCh37 (hg19) VCF-style: chr9-97863402-G-A.
Other names: c.*587C>T (NM_001243743.2).
Identifiers: ClinVar variation 915216 (VCV000915216.4), dbSNP rs190544450, ClinGen allele CA196536089.

ClinVar aggregate classification (germline): Likely benign (1 of 4 stars; one submission).

Conditions:
Fanconi anemia complementation group C (FANCC). Also called: FANCC-Related Fanconi Anemia; FANCONI PANCYTOPENIA, TYPE 3; FACC; Fanconi anemia, group C. Identifiers: Orphanet 84, MedGen C3468041, MONDO:0009213, OMIM 227645.

Allele frequency attached by ClinVar (database versions not stated): gnomAD 0.00020; TOPMed 0.00022; gnomAD exomes 0.00040; 1000 Genomes Project 30x 0.00078; 1000 Genomes Project 0.00080.
gnomAD v4.1: 67 of 241,518 alleles (0.028%); highest among the groups gnomAD compares: Admixed American, 0.065%; no homozygotes.

Submission:

Illumina Laboratory Services, Illumina
Classification: Likely benign for Fanconi anemia complementation group C. Last evaluated: 2018-01-13. Review status: criteria provided, single submitter. Criteria: ICSL Variant Classification Criteria 13 December 2019. Collection method: clinical testing. Allele origin: germline.
Comment: This variant was observed in the ICSL laboratory as part of a predisposition screen in an ostensibly healthy population. It had not been previously curated by ICSL or reported in the Human Gene Mutation Database (HGMD: prior to June 1st, 2018), and was therefore a candidate for classification through an automated scoring system. Utilizing variant allele frequency, disease prevalence and penetrance estimates, and inheritance mode, an automated score was calculated to assess if this variant is too frequent to cause the disease. Based on the score and internal cut-off values, a variant classified as likely benign is not then subjected to further curation. The score for this variant resulted in a classification of likely benign for this disease.